The following is an entry in ClinVar:

NM_002474.3(MYH11):c.655_726+323dup

Gene: MYH11 (myosin heavy chain 11; minus strand). Cytogenetic location: 16p13.11.
Variant type: Duplication.
Coding change: c.655_726+323dup on transcript NM_002474.3 (MANE Select); coding-DNA position 655 through 323 bases into the intron after coding-DNA position 726, 395 bases duplicated.
Molecular consequence: splice donor variant.
Genome position (GRCh38, 1-based): chr16:15,782,062-15,782,456, 395 bases duplicated. GRCh37 (hg19): chr16:15,875,920-15,876,314.
Other names: c.655_726+323dup (NM_022844.3); c.676_747+323dup (NM_001040114.2, NM_001040113.2).
Identifiers: ClinVar variation 4734130 (VCV004734130.1).

ClinVar aggregate classification (germline): Uncertain significance (1 of 4 stars; one submission).

Conditions:
Aortic aneurysm, familial thoracic 4 (AAT4). Also called: AORTIC ANEURYSM/AORTIC DISSECTION AND PATENT DUCTUS ARTERIOSUS. Identifiers: MedGen C1851504, MONDO:0007568, OMIM 132900.

Submission:

Labcorp Genetics (formerly Invitae), Labcorp
Classification: Uncertain significance for Aortic aneurysm, familial thoracic 4. Last evaluated: 2025-12-24. Review status: criteria provided, single submitter. Criteria: Invitae Variant Classification Sherloc (09022015). Collection method: clinical testing. Allele origin: germline.
Comment: This sequence change falls in intron 7 of the MYH11 gene. It does not directly change the encoded amino acid sequence of the MYH11 protein. This variant is not present in population databases (gnomAD no frequency). This variant has not been reported in the literature in individuals affected with MYH11-related conditions. Experimental studies and prediction algorithms are not available or were not evaluated, and the effect of this variant on mRNA splicing is currently unknown. In summary, the available evidence is currently insufficient to determine the role of this variant in disease. Therefore, it has been classified as a Variant of Uncertain Significance.